The following is an entry in ClinVar:

ClinVar aggregate classification (germline): Benign/Likely benign. Review status: criteria provided, multiple submitters, no conflicts (2 of 4 stars). 3 submissions from 3 submitters: Benign (1); Likely benign (2). Last evaluated 2024-09-12.

Conditions:
Hereditary cancer-predisposing syndrome. Also called: Neoplastic Syndromes, Hereditary; Hereditary neoplastic syndrome; Tumor predisposition; Hereditary Cancer Syndrome. Identifiers: Orphanet 140162, MedGen C0027672, MeSH D009386, MONDO:0015356.
Hereditary diffuse gastric adenocarcinoma (HDGC). Also called: DIFFUSE GASTRIC AND LOBULAR BREAST CANCER SYNDROME. Identifiers: Orphanet 26106, MedGen C1708349, MONDO:0007648, OMIM 137215.

Submissions (3):

Myriad Genetics, Inc.
Classification: Benign for Hereditary diffuse gastric adenocarcinoma. Last evaluated: 2024-09-12. Review status: criteria provided, single submitter. Criteria: Myriad Autosomal Dominant, Autosomal Recessive and X-Linked Classification Criteria (2023). Collection method: clinical testing. Allele origin: unknown.
Comment: This variant is considered benign. This variant is a silent/synonymous amino acid change and it is not expected to impact splicing.

Labcorp Genetics (formerly Invitae), Labcorp
Classification: Likely benign for Hereditary diffuse gastric adenocarcinoma. Last evaluated: 2021-11-02. Review status: criteria provided, single submitter. Criteria: Invitae Variant Classification Sherloc (09022015). Collection method: clinical testing. Allele origin: germline.

Ambry Genetics
Classification: Likely benign for Hereditary cancer-predisposing syndrome. Last evaluated: 2020-03-13. Review status: criteria provided, single submitter. Criteria: Ambry Variant Classification Scheme 2023. Collection method: clinical testing. Allele origin: germline.

NM_004360.5(CDH1):c.372C>T (p.Arg124=)

Gene: CDH1 (cadherin 1; plus strand). Cytogenetic location: 16q22.1.
Variant type: single nucleotide variant.
Coding change: c.372C>T on transcript NM_004360.5 (MANE Select); coding-DNA position 372, C replaced by T.
Protein change: p.Arg124=; no amino-acid change (arginine 124 retained).
Molecular consequence: synonymous variant. On other transcripts: 5 prime UTR variant (2).
Genome position (GRCh38, 1-based): chr16:68,801,878, C>T. VCF-style: chr16-68801878-C-T. GRCh37 (hg19) VCF-style: chr16-68835781-C-T.
Other names: c.372C>T, p.Arg124= (NM_001317184.2); c.-1244C>T (NM_001317185.2); c.-1448C>T (NM_001317186.2).
Identifiers: ClinVar variation 1078137 (VCV001078137.12), dbSNP rs786201511, ClinGen allele CA496152709.
Genomic context (GRCh38, chr16:68,801,878, plus strand): 5'-CTCCACCTACAGAAAGTTTTCCACCAAAGTCACGCTGAATACAGTGGGGCACCACCACCG[C>T]CCCCCGCCCCATCAGGTATGTTGGCATTTTTCTGAGAAGTTCGCTGTTGTTTTAGTGCGC-3'
Protein context (NP_004351.1, residues 114-134): VTLNTVGHHH[Arg124=]PPPHQASVSG